The following is an entry in ClinVar:

ClinVar aggregate classification (germline): Likely benign (1 of 4 stars; one submission).

gnomAD v4.1: 55 of 1,612,500 alleles (0.0034%); highest among the groups gnomAD compares: Non-Finnish European, 0.0043%; no homozygotes.

Submission:

CeGaT Center for Human Genetics Tuebingen
Classification: Likely benign. Last evaluated: 2024-10-01. Review status: criteria provided, single submitter. Criteria: CeGaT Center For Human Genetics Tuebingen Variant Classification Criteria Version 2. Collection method: clinical testing. Allele origin: germline. Affected: yes. Observed: 2 variant alleles.
Comment: ABHD12B: BP4

NM_001206673.2(ABHD12B):c.919G>C (p.Val307Leu)

Gene: ABHD12B (abhydrolase domain containing 12B; plus strand). Cytogenetic location: 14q22.1.
Variant type: single nucleotide variant.
Coding change: c.919G>C on transcript NM_001206673.2 (MANE Select); coding-DNA position 919, G replaced by C.
Protein change: p.Val307Leu; replaces valine 307 with leucine.
Molecular consequence: missense variant.
Genome position (GRCh38, 1-based): chr14:50,903,444, G>C. VCF-style: chr14-50903444-G-C. GRCh37 (hg19) VCF-style: chr14-51370162-G-C.
Other names: c.598G>C, p.Val200Leu (NM_181533.4); c.688G>C, p.Val230Leu (NM_181814.2); short protein forms V200L, V230L, V307L.
Identifiers: ClinVar variation 3389169 (VCV003389169.14).